The following is an entry in ClinVar:

ClinVar aggregate classification (germline): Likely benign. Review status: criteria provided, multiple submitters, no conflicts (2 of 4 stars). 2 submissions from 2 submitters: Likely benign (2). Last evaluated 2025-12-20.

Conditions:
Menkes kinky-hair syndrome (MNK). Also called: Menkes Disease; Copper transport disease; Classic Menkes Disease. Identifiers: Orphanet 565, MedGen C0022716, MONDO:0010651, OMIM 309400.
Cutis laxa, X-linked (OHS). Also called: Occipital horn syndrome; EDS IX. Identifiers: Orphanet 198, MedGen C0268353, MONDO:0010572, OMIM 304150.
X-linked distal spinal muscular atrophy type 3. Also called: NEURONOPATHY, DISTAL HEREDITARY MOTOR, X-LINKED; NEUROPATHY, DISTAL HEREDITARY MOTOR, X-LINKED; ATP7A-Related Distal Motor Neuropathy; SPINAL MUSCULAR ATROPHY, DISTAL, X-LINKED RECESSIVE. Identifiers: Orphanet 139557, MedGen C1845359, MONDO:0010338, OMIM 300489.

Allele frequency attached by ClinVar (database versions not stated): gnomAD exomes below 0.00001 and 0.00001; gnomAD 0.00001; TOPMed 0.00002.
gnomAD v4.1: 5 of 1,208,064 alleles (0.00041%); highest among the groups gnomAD compares: East Asian, 0.003%; no homozygotes.

Submissions (2):

Labcorp Genetics (formerly Invitae), Labcorp
Classification: Likely benign for X-linked distal spinal muscular atrophy type 3; Cutis laxa, X-linked; Menkes kinky-hair syndrome. Last evaluated: 2025-12-20. Review status: criteria provided, single submitter. Criteria: Invitae Variant Classification Sherloc (09022015). Collection method: clinical testing. Allele origin: germline.

CeGaT Center for Human Genetics Tuebingen
Classification: Likely benign. Last evaluated: 2025-04-01. Review status: criteria provided, single submitter. Criteria: CeGaT Center For Human Genetics Tuebingen Variant Classification Criteria Version 2. Collection method: clinical testing. Allele origin: germline. Affected: yes. Observed: 1 variant allele.
Comment: ATP7A: BP4

NM_000052.7(ATP7A):c.1834A>G (p.Ile612Val)

Gene: ATP7A (ATPase copper transporting alpha; plus strand). Cytogenetic location: Xq21.1.
Variant type: single nucleotide variant.
Coding change: c.1834A>G on transcript NM_000052.7 (MANE Select); coding-DNA position 1834, A replaced by G.
Protein change: p.Ile612Val; replaces isoleucine 612 with valine.
Molecular consequence: missense variant.
Genome position (GRCh38, 1-based): chrX:78,009,228, A>G. VCF-style: chrX-78009228-A-G. GRCh37 (hg19) VCF-style: chrX-77264725-A-G.
Other names: c.1834A>G, p.Ile612Val (NM_001282224.2); short protein forms I612V.
Identifiers: ClinVar variation 1161136 (VCV001161136.16), dbSNP rs1318638094, ClinGen allele CA413597391.